The following is an entry in ClinVar:

ClinVar aggregate classification (germline): Uncertain significance (1 of 4 stars; one submission).

Allele frequency attached by ClinVar (database versions not stated): gnomAD exomes 0.00001 and 0.00002; TOPMed 0.00002; ExAC 0.00003; gnomAD 0.00003; ESP Exome Variant Server 0.00008.
gnomAD v4.1: 21 of 1,613,122 alleles (0.0013%); highest among the groups gnomAD compares: African/African-American, 0.0053%; no homozygotes.

Submission:

Labcorp Genetics (formerly Invitae), Labcorp
Classification: Uncertain significance. Last evaluated: 2024-12-17. Review status: criteria provided, single submitter. Criteria: Invitae Variant Classification Sherloc (09022015). Collection method: clinical testing. Allele origin: germline.
Comment: This sequence change affects codon 268 of the COL9A3 mRNA. It is a 'silent' change, meaning that it does not change the encoded amino acid sequence of the COL9A3 protein. This variant is present in population databases (rs372387045, gnomAD 0.02%). This variant has not been reported in the literature in individuals affected with COL9A3-related conditions. ClinVar contains an entry for this variant (Variation ID: 1439123). Algorithms developed to predict the effect of sequence changes on RNA splicing suggest that this variant may create or strengthen a splice site. In summary, the available evidence is currently insufficient to determine the role of this variant in disease. Therefore, it has been classified as a Variant of Uncertain Significance.

NM_001853.4(COL9A3):c.804C>T (p.Gly268=)

Gene: COL9A3 (collagen type IX alpha 3 chain; plus strand). Cytogenetic location: 20q13.33.
Variant type: single nucleotide variant.
Coding change: c.804C>T on transcript NM_001853.4 (MANE Select); coding-DNA position 804, C replaced by T.
Protein change: p.Gly268=; no amino-acid change (glycine 268 retained).
Molecular consequence: synonymous variant.
Genome position (GRCh38, 1-based): chr20:62,827,252, C>T. VCF-style: chr20-62827252-C-T. GRCh37 (hg19) VCF-style: chr20-61458604-C-T.
Identifiers: ClinVar variation 1439123 (VCV001439123.7), dbSNP rs372387045, ClinGen allele CA9949528.